The following is an entry in ClinVar:

NM_001457.4(FLNB):c.4097A>C (p.Glu1366Ala)

Gene: FLNB (filamin B; plus strand). Cytogenetic location: 3p14.3.
Variant type: single nucleotide variant.
Coding change: c.4097A>C on transcript NM_001457.4 (MANE Select); coding-DNA position 4097, A replaced by C.
Protein change: p.Glu1366Ala; replaces glutamic acid 1366 with alanine.
Molecular consequence: missense variant.
Genome position (GRCh38, 1-based): chr3:58,126,637, A>C. VCF-style: chr3-58126637-A-C. GRCh37 (hg19) VCF-style: chr3-58112364-A-C.
Other names: c.4097A>C, p.Glu1366Ala (NM_001164317.2, NM_001164318.2, NM_001164319.2); short protein forms E1366A.
Identifiers: ClinVar variation 4278392 (VCV004278392.2).

ClinVar aggregate classification (germline): Uncertain significance. Review status: criteria provided, multiple submitters, no conflicts (2 of 4 stars). 2 submissions from 2 submitters: Uncertain significance (2). Last evaluated 2025-10-06.

Conditions:
Spondylocarpotarsal synostosis syndrome (SCT). Also called: SPONDYLOCARPOTARSAL SYNDROME; VERTEBRAL FUSION WITH CARPAL COALITION; Synspondylism congenital; Scoliosis, congenital with unilateral unsegmented bar; Spondylocarpotarsal Synostosis Syndrome (FLNB-SCT). Identifiers: Orphanet 3275, MedGen C1848934, MONDO:0010094, OMIM 272460.

gnomAD v4.1: 1 of 1,614,084 alleles (0.000062%); highest among the groups gnomAD compares: South Asian, 0.0011%; no homozygotes.

Submissions (2):

Labcorp Genetics (formerly Invitae), Labcorp
Classification: Uncertain significance. Last evaluated: 2025-10-06. Review status: criteria provided, single submitter. Criteria: Invitae Variant Classification Sherloc (09022015). Collection method: clinical testing. Allele origin: germline.
Comment: This sequence change replaces glutamic acid, which is acidic and polar, with alanine, which is neutral and non-polar, at codon 1366 of the FLNB protein (p.Glu1366Ala). This variant is not present in population databases (gnomAD no frequency). This variant has not been reported in the literature in individuals affected with FLNB-related conditions. Invitae Evidence Modeling of protein sequence and biophysical properties (such as structural, functional, and spatial information, amino acid conservation, physicochemical variation, residue mobility, and thermodynamic stability) indicates that this missense variant is not expected to disrupt FLNB protein function with a negative predictive value of 95%. In summary, the available evidence is currently insufficient to determine the role of this variant in disease. Therefore, it has been classified as a Variant of Uncertain Significance.

Genomic Medicine Center of Excellence, King Faisal Specialist Hospital and Research Centre
Classification: Uncertain significance for Spondylocarpotarsal synostosis syndrome. Last evaluated: 2025-09-10. Review status: criteria provided, single submitter. Criteria: ACMG Guidelines, 2015. Collection method: clinical testing. Allele origin: germline.